The following is an entry in ClinVar:

ClinVar aggregate classification (germline): Uncertain significance. Review status: criteria provided, multiple submitters, no conflicts (2 of 4 stars). 2 submissions from 2 submitters: Uncertain significance (2). Last evaluated 2025-03-05.

Conditions:
Combined oxidative phosphorylation defect type 11. Also called: ENCEPHALONEUROMYOPATHY, INFANTILE, DUE TO MITOCHONDRIAL TRANSLATION DEFECT; Combined oxidative phosphorylation deficiency 11. Identifiers: Orphanet 324535, MedGen C5190991, MONDO:0013969, OMIM 614922.

Allele frequency attached by ClinVar (database versions not stated): gnomAD exomes below 0.00001 and 0.00001; ExAC 0.00001; gnomAD 0.00001; TOPMed 0.00002; ESP Exome Variant Server 0.00008; 1000 Genomes Project 0.00020; 1000 Genomes Project 30x 0.00031.
gnomAD v4.1: 15 of 1,588,090 alleles (0.00094%); highest among the groups gnomAD compares: Middle Eastern, 0.033%; no homozygotes.

Submissions (2):

Labcorp Genetics (formerly Invitae), Labcorp
Classification: Uncertain significance. Last evaluated: 2025-03-05. Review status: criteria provided, single submitter. Criteria: Invitae Variant Classification Sherloc (09022015). Collection method: clinical testing. Allele origin: germline.
Comment: This sequence change falls in intron 7 of the RMND1 gene. It does not directly change the encoded amino acid sequence of the RMND1 protein. It affects a nucleotide within the consensus splice site. This variant is not present in population databases (gnomAD no frequency). This variant has not been reported in the literature in individuals affected with RMND1-related conditions. ClinVar contains an entry for this variant (Variation ID: 1381160). Variants that disrupt the consensus splice site are a relatively common cause of aberrant splicing (PMID: 17576681, 9536098). Algorithms developed to predict the effect of sequence changes on RNA splicing suggest that this variant is not likely to affect RNA splicing. In summary, the available evidence is currently insufficient to determine the role of this variant in disease. Therefore, it has been classified as a Variant of Uncertain Significance.

Fulgent Genetics
Classification: Uncertain significance for Combined oxidative phosphorylation defect type 11. Last evaluated: 2024-03-24. Review status: criteria provided, single submitter. Criteria: ACMG Guidelines, 2015. Collection method: clinical testing. Allele origin: germline.

Literature cited by the submitters: PubMed 17576681 (cited by Labcorp Genetics (formerly Invitae), Labcorp); PubMed 9536098 (cited by Labcorp Genetics (formerly Invitae), Labcorp).

NM_017909.4(RMND1):c.937+3A>G

Gene: RMND1 (required for meiotic nuclear division 1 homolog; minus strand). Cytogenetic location: 6q25.1.
Variant type: single nucleotide variant.
Coding change: c.937+3A>G on transcript NM_017909.4 (MANE Select); 3 bases into the intron after coding-DNA position 937, A replaced by G.
Molecular consequence: intron variant.
Genome position (GRCh38, 1-based): chr6:151,423,522, T>C on the plus strand (A>G on the coding strand, the complement: RMND1 is on the minus strand). VCF-style: chr6-151423522-T-C. GRCh37 (hg19) VCF-style: chr6-151744657-T-C.
Other names: c.427+3A>G (NM_001271937.2).
Identifiers: ClinVar variation 1381160 (VCV001381160.7), dbSNP rs373228488, ClinGen allele CA4050872.